The following is an entry in ClinVar:

NM_031935.3(HMCN1):c.8501A>G (p.Gln2834Arg)

Gene: HMCN1 (hemicentin 1; plus strand). Cytogenetic location: 1q31.1.
Variant type: single nucleotide variant.
Coding change: c.8501A>G on transcript NM_031935.3 (MANE Select); coding-DNA position 8501, A replaced by G.
Protein change: p.Gln2834Arg; replaces glutamine 2834 with arginine.
Molecular consequence: missense variant.
Genome position (GRCh38, 1-based): chr1:186,078,122, A>G. VCF-style: chr1-186078122-A-G. GRCh37 (hg19) VCF-style: chr1-186047254-A-G.
Other names: c.8501A>G (NM_031935.2); short protein forms Q2834R.
Identifiers: ClinVar variation 2414226 (VCV002414226.7), dbSNP rs771648853, ClinGen allele CA1293149.

ClinVar aggregate classification (germline): Uncertain significance. Review status: criteria provided, multiple submitters, no conflicts (2 of 4 stars). 2 submissions from 2 submitters: Uncertain significance (2). Last evaluated 2025-08-22.

Allele frequency attached by ClinVar (database versions not stated): TOPMed 0.00002; ExAC 0.00003; gnomAD 0.00003.
gnomAD v4.1: 101 of 1,613,290 alleles (0.0063%); highest among the groups gnomAD compares: East Asian, 0.21%; no homozygotes.

Submissions (2):

Ambry Genetics
Classification: Uncertain significance. Last evaluated: 2025-08-22. Review status: criteria provided, single submitter. Criteria: Ambry Variant Classification Scheme 2023. Collection method: clinical testing. Allele origin: germline.

Labcorp Genetics (formerly Invitae), Labcorp
Classification: Uncertain significance. Last evaluated: 2023-07-22. Review status: criteria provided, single submitter. Criteria: Invitae Variant Classification Sherloc (09022015). Collection method: clinical testing. Allele origin: germline.
Comment: In summary, the available evidence is currently insufficient to determine the role of this variant in disease. Therefore, it has been classified as a Variant of Uncertain Significance. An algorithm developed to predict the effect of missense changes on protein structure and function (PolyPhen-2) suggests that this variant is likely to be disruptive. ClinVar contains an entry for this variant (Variation ID: 2414226). This variant has not been reported in the literature in individuals affected with HMCN1-related conditions. This variant is present in population databases (rs771648853, gnomAD 0.05%). This sequence change replaces glutamine, which is neutral and polar, with arginine, which is basic and polar, at codon 2834 of the HMCN1 protein (p.Gln2834Arg).